The following is an entry in ClinVar:

ClinVar aggregate classification (germline): Likely pathogenic (1 of 4 stars; one submission).

Conditions:
Epilepsy, familial focal, with variable foci 3 (FFEVF3). Identifiers: MedGen C4310708, MONDO:0014925, OMIM 617118.

Submission:

Diagnostics Services (NGS), CSIR - Centre For Cellular And Molecular Biology
Classification: Likely pathogenic for Epilepsy, familial focal, with variable foci 3. Last evaluated: 2024-07-03. Review status: criteria provided, single submitter. Criteria: ACMG Guidelines, 2015. Collection method: clinical testing. Allele origin: unknown. Affected: yes. Observed: 1 variant allele, 1 heterozygote.
Comment: The c.1438C>T variant is not present in publicly available population databases like 1000 Genomes, EVS, ExAC, gnomAD, Indian Exome Database or our in-house exome database. This variant has neither been published in literature in individuals affected with NPRL3-related conditions nor reported to clinical databases like ClinVar, Human Gene Mutation Database (HGMD) or OMIM, in any affected individuals. In-silico pathogenicity prediction programs like MutationTaster2, CADD, Varsome, Franklin, InterVar etc predicted this variant to be likely deleterious. This variant creates a premature translational stop signal at the 480th position of the original transcript that may either result in translation of a truncated protein or cause nonsense mediated decay of the mRNA.

NM_001077350.3(NPRL3):c.1438C>T (p.Gln480Ter)

Genes: HBA-LCR (alpha-globin locus control region; plus strand), NPRL3 (NPR3 like, GATOR1 complex subunit; minus strand). Cytogenetic location: 16p13.3.
Variant type: single nucleotide variant.
Coding change: c.1438C>T on transcript NM_001077350.3 (MANE Select); coding-DNA position 1438, C replaced by T.
Protein change: p.Gln480Ter; replaces glutamine 480 with a stop codon.
Molecular consequence: nonsense.
Genome position (GRCh38, 1-based): chr16:88,804, G>A on the plus strand (C>T on the coding strand, the complement: NPRL3 is on the minus strand). VCF-style: chr16-88804-G-A. GRCh37 (hg19) VCF-style: chr16-138802-G-A.
Other names: c.901C>T, p.Gln301Ter (NM_001039476.3); c.1204C>T, p.Gln402Ter (NM_001243247.2); c.1363C>T, p.Gln455Ter (NM_001243248.2, NM_001243249.2); short protein forms Q301*, Q402*, Q455*, Q480*.
Identifiers: ClinVar variation 3251992 (VCV003251992.1), dbSNP rs2542799402.